The following is an entry in ClinVar:

Conditions:
Breast-ovarian cancer, familial, susceptibility to, 1 (BROVCA1). Also called: BRCA1 Hereditary Breast and Ovarian Cancer; OVARIAN CANCER, SUSCEPTIBILITY TO. Identifiers: Orphanet 145, MedGen C2676676, MONDO:0011450, OMIM 604370. Disease mechanism: loss of function.

Submission:

Brotman Baty Institute, University of Washington
No classification provided (evidence only). Condition: Breast-ovarian cancer, familial 1. Review status: no classification provided. Collection method: in vitro. Allele origin: not applicable. Functional consequence: functionally_normal.
ClinVar note: "not provided" was previously submitted as the classification for the variant. However, the classification appeared to be based only on an observation of functional data so it was converted to no classification on 2025-07-30.

NM_007294.4(BRCA1):c.5333-4T>C

Gene: BRCA1 (BRCA1 DNA repair associated; minus strand). Cytogenetic location: 17q21.31.
Variant type: single nucleotide variant.
Coding change: c.5333-4T>C on transcript NM_007294.4 (MANE Select); 4 bases into the intron before coding-DNA position 5333, T replaced by C.
Molecular consequence: intron variant.
Genome position (GRCh38, 1-based): chr17:43,049,198, A>G on the plus strand (T>C on the coding strand, the complement: BRCA1 is on the minus strand). VCF-style: chr17-43049198-A-G. GRCh37 (hg19) VCF-style: chr17-41201215-A-G.
Other names: c.5192-4T>C (NM_001407692.1, NM_001407729.1, NM_001407698.1 and 12 more transcripts); c.4949-4T>C (NM_001407960.1, NM_001407962.1); c.1754-4T>C (NM_001408505.1); c.4871-4T>C (NM_001407964.1); c.5186-4T>C (NM_001407844.1, NM_001407851.1, NM_001407849.1 and 12 more transcripts); c.5189-4T>C (NM_001407743.1, NM_001407735.1, NM_001407744.1 and 18 more transcripts); c.5063-4T>C (NM_001407935.1, NM_001407936.1, NM_001407934.1); c.5069-4T>C (NM_001407926.1, NM_001407924.1, NM_001407920.1 and 4 more transcripts); and 84 more.
Identifiers: ClinVar variation 868020 (VCV000868020.3), dbSNP rs2051098272, ClinGen allele CA916080885.